The following is an entry in ClinVar:

NM_000521.4(HEXB):c.446-6A>G

Gene: HEXB (hexosaminidase subunit beta; plus strand). Cytogenetic location: 5q13.3.
Variant type: single nucleotide variant.
Coding change: c.446-6A>G on transcript NM_000521.4 (MANE Select); 6 bases into the intron before coding-DNA position 446, A replaced by G.
Molecular consequence: intron variant.
Genome position (GRCh38, 1-based): chr5:74,693,633, A>G. VCF-style: chr5-74693633-A-G. GRCh37 (hg19) VCF-style: chr5-73989458-A-G.
Other names: c.-230-6A>G (NM_001292004.2).
Identifiers: ClinVar variation 4293626 (VCV004293626.1).

ClinVar aggregate classification (germline): Uncertain significance (1 of 4 stars; one submission).

Conditions:
Sandhoff disease. Also called: GM2-GANGLIOSIDOSIS, TYPE II; HEXOSAMINIDASES A AND B DEFICIENCY; Beta-hexosaminidase-beta-subunit deficiency; GM2 gangliosidosis, type 2; Total hexosaminidase deficiency; Sandhoff-Jatzkewitz-Pilz disease. Identifiers: Orphanet 796, MedGen C0036161, MONDO:0010006, OMIM 268800.

gnomAD v4.1: 8 of 1,603,274 alleles (0.0005%); highest among the groups gnomAD compares: Non-Finnish European, 0.0006%; no homozygotes.

Submission:

3billion
Classification: Uncertain significance for Sandhoff disease. Last evaluated: 2024-12-02. Review status: criteria provided, single submitter. Criteria: ACMG Guidelines, 2015. Collection method: clinical testing. Allele origin: germline. Affected: yes.
Comment: The variant is observed at an extremely low frequency in the gnomAD v4.1.0 dataset (total allele frequency: <0.001%). Predicted Consequence/Location: Intron variant In silico tools predict the variant to alter splicing and produce an abnormal transcript [SpliceAI: 0.87 (>=0.2, moderate evidence for spliceogenicity)]. Therefore, this variant is classified as VUS according to the recommendation of ACMG/AMP guideline.